The following is an entry in ClinVar:

NM_014806.5(RUSC2):c.4192G>A (p.Glu1398Lys)

Gene: RUSC2 (RUN and SH3 domain containing 2; plus strand). Cytogenetic location: 9p13.3.
Variant type: single nucleotide variant.
Coding change: c.4192G>A on transcript NM_014806.5 (MANE Select); coding-DNA position 4192, G replaced by A.
Protein change: p.Glu1398Lys; replaces glutamic acid 1398 with lysine.
Molecular consequence: missense variant. On other transcripts: non-coding transcript variant (1).
Genome position (GRCh38, 1-based): chr9:35,560,832, G>A. VCF-style: chr9-35560832-G-A. GRCh37 (hg19) VCF-style: chr9-35560829-G-A.
Other names: c.4192G>A, p.Glu1398Lys (NM_001135999.2); c.1558G>A, p.Glu520Lys (NM_001330740.2); c.4192G>A (NM_001135999.1); short protein forms E1398K, E520K.
Identifiers: ClinVar variation 1367762 (VCV001367762.6), dbSNP rs1822141514, ClinGen allele CA373356841.

ClinVar aggregate classification (germline): Uncertain significance. Review status: criteria provided, multiple submitters, no conflicts (2 of 4 stars). 2 submissions from 2 submitters: Uncertain significance (2). Last evaluated 2025-07-01.

Allele frequency attached by ClinVar (database versions not stated): TOPMed 0.00001; gnomAD exomes below 0.00001.
gnomAD v4.1: 1 of 1,532,154 alleles (0.000065%); highest among the groups gnomAD compares: Admixed American, 0.0021%; no homozygotes.

Submissions (2):

Ambry Genetics
Classification: Uncertain significance. Last evaluated: 2025-07-01. Review status: criteria provided, single submitter. Criteria: Ambry Variant Classification Scheme 2023. Collection method: clinical testing. Allele origin: germline.

Labcorp Genetics (formerly Invitae), Labcorp
Classification: Uncertain significance. Last evaluated: 2023-12-11. Review status: criteria provided, single submitter. Criteria: Invitae Variant Classification Sherloc (09022015). Collection method: clinical testing. Allele origin: germline.
Comment: This sequence change replaces glutamic acid, which is acidic and polar, with lysine, which is basic and polar, at codon 1398 of the RUSC2 protein (p.Glu1398Lys). This variant is not present in population databases (gnomAD no frequency). This variant has not been reported in the literature in individuals affected with RUSC2-related conditions. ClinVar contains an entry for this variant (Variation ID: 1367762). An algorithm developed to predict the effect of missense changes on protein structure and function (PolyPhen-2) suggests that this variant¬†is likely to be tolerated. In summary, the available evidence is currently insufficient to determine the role of this variant in disease. Therefore, it has been classified as a Variant of Uncertain Significance.